The following is an entry in ClinVar:

ClinVar aggregate classification (germline): Pathogenic/Likely pathogenic. Review status: criteria provided, multiple submitters, no conflicts (2 of 4 stars). 3 submissions from 2 submitters: Pathogenic (2); Likely pathogenic (1). Last evaluated 2023-04-20.

Conditions:
Joubert syndrome 9 (JBTS9). Identifiers: Orphanet 2318, MedGen C2676788, MONDO:0012849, OMIM 612285.
Clubfoot. Also called: Club foot; Clubfeet; congenital talipes equinovarus; CLUBFOOT, CONGENITAL, WITH OR WITHOUT DEFICIENCY OF LONG BONES AND/OR MIRROR-IMAGE POLYDACTYLY; Talipes equinovarus. Identifiers: Orphanet 199315, MedGen C0009081, MONDO:0007342, OMIM 119800, HP:0001762.
Polydactyly, postaxial, type A1. Identifiers: MedGen C4282400, MONDO:0008266, OMIM 174200.
Encephalocele. Also called: Bifid cranium; Cranial meningoencephalocele; Craniocele. Identifiers: MedGen C4551722, HP:0002084.
Polycystic kidney disease. Also called: Polycystic kidney dysplasia; Kidney, Polycystic. Identifiers: MedGen C0022680, MeSH D007690, MONDO:0020642, HP:0000113.
Oligohydramnios. Also called: Oligohydramnios (disease). Identifiers: MedGen C0079924, MONDO:0005881, HP:0001562.
Microcephaly. Also called: Microcephaly (disease). Identifiers: MedGen C4551563, MONDO:0001149, HP:0000252.
Narrow chest. Identifiers: MedGen C0426790, HP:0000774.

Submissions (3):

Revvity Omics, Revvity
Classification: Likely pathogenic. Last evaluated: 2023-04-20. Review status: criteria provided, single submitter. Criteria: ACMG Guidelines, 2015. Collection method: clinical testing. Allele origin: germline.

Centre for Mendelian Genomics, University Medical Centre Ljubljana
Classification: Pathogenic for Encephalocele; Microcephaly; Narrow chest; Oligohydramnios; Polycystic kidney disease; Postaxial polydactyly; Clubfoot. Last evaluated: 2017-01-01. Review status: criteria provided, single submitter. Criteria: ACMG Guidelines, 2015. Collection method: clinical testing. Allele origin: unknown. Affected: yes.

Centre for Mendelian Genomics, University Medical Centre Ljubljana
Classification: Pathogenic for Joubert syndrome 9. Last evaluated: 2016-01-01. Review status: criteria provided, single submitter. Criteria: ACMG Guidelines, 2015. Collection method: clinical testing. Allele origin: unknown. Affected: yes.
Comment: This variant was classified as: Pathogenic. The following ACMG criteria were applied in classifying this variant: PVS1,PM2,PP3,PP4.

NM_001378615.1(CC2D2A):c.1149+1G>A

Genes: CC2D2A (coiled-coil and C2 domain containing 2A; plus strand), FBXL5 (F-box and leucine rich repeat protein 5; minus strand). Cytogenetic location: 4p15.32.
Variant type: single nucleotide variant.
Coding change: c.1149+1G>A on transcript NM_001378615.1 (MANE Select); the canonical splice donor site of the intron after coding-DNA position 1149, G replaced by A.
Molecular consequence: splice donor variant.
Genome position (GRCh38, 1-based): chr4:15,516,757, G>A. VCF-style: chr4-15516757-G-A. GRCh37 (hg19) VCF-style: chr4-15518380-G-A.
Other names: c.1149+1G>A (NM_001080522.2); c.1002+1G>A (NM_001378617.1).
Identifiers: ClinVar variation 523401 (VCV000523401.8), dbSNP rs1553827236, ClinGen allele CA356410089.